The following is an entry in ClinVar:

NM_001963.6(EGF):c.3358C>T (p.Gln1120Ter)

Gene: EGF (epidermal growth factor; plus strand). Cytogenetic location: 4q25.
Variant type: single nucleotide variant.
Coding change: c.3358C>T on transcript NM_001963.6 (MANE Select); coding-DNA position 3358, C replaced by T.
Protein change: p.Gln1120Ter; replaces glutamine 1120 with a stop codon.
Molecular consequence: nonsense. On other transcripts: intron variant (1).
Genome position (GRCh38, 1-based): chr4:110,008,218, C>T. VCF-style: chr4-110008218-C-T. GRCh37 (hg19) VCF-style: chr4-110929374-C-T.
Other names: c.3235C>T, p.Gln1079Ter (NM_001178130.3); c.3232C>T, p.Gln1078Ter (NM_001178131.3); c.2923-2984C>T (NM_001357021.2); short protein forms Q1079*, Q1078*, Q1120*.
Identifiers: ClinVar variation 2169352 (VCV002169352.4), dbSNP rs149589582, ClinGen allele CA3044254.
Genomic context (GRCh38, chr4:110,008,218, plus strand): 5'-GTTATAAAAGAACACCAAGACCTCAAGAATGGGGGTCAACCAGTGGCTGGTGAGGATGGC[C>T]AGGCAGCAGATGGTCAGTTTTTATCCCTGGCTCCTGGTGAATGGTTATTTTTACTTAGAT-3'

ClinVar aggregate classification (germline): Uncertain significance (1 of 4 stars; one submission).

Allele frequency attached by ClinVar (database versions not stated): ExAC 0.00005; gnomAD 0.00005; gnomAD exomes 0.00006; TOPMed 0.00006; ESP Exome Variant Server 0.00015.
gnomAD v4.1: 100 of 1,613,850 alleles (0.0062%); highest among the groups gnomAD compares: Non-Finnish European, 0.0076%; no homozygotes.

Submission:

Labcorp Genetics (formerly Invitae), Labcorp
Classification: Uncertain significance. Last evaluated: 2024-11-11. Review status: criteria provided, single submitter. Criteria: Invitae Variant Classification Sherloc (09022015). Collection method: clinical testing. Allele origin: germline.
Comment: This sequence change creates a premature translational stop signal (p.Gln1120*) in the EGF gene. While this is not anticipated to result in nonsense mediated decay, it is expected to disrupt the last 88 amino acid(s) of the EGF protein. This variant is present in population databases (rs149589582, gnomAD 0.008%). This variant has not been reported in the literature in individuals affected with EGF-related conditions. ClinVar contains an entry for this variant (Variation ID: 2169352). Algorithms developed to predict the effect of sequence changes on RNA splicing suggest that this variant may disrupt the consensus splice site. In summary, the available evidence is currently insufficient to determine the role of this variant in disease. Therefore, it has been classified as a Variant of Uncertain Significance.